The following is an entry in ClinVar:

ClinVar aggregate classification (germline): Conflicting classifications of pathogenicity. Review status: criteria provided, conflicting classifications (1 of 4 stars). 3 submissions from 3 submitters: Uncertain significance (1); Likely benign (2). Last evaluated 2021-01-11.

Conditions:
Cardiomyopathy (CMYO). Also called: Cardiomyopathies. Identifiers: Orphanet 167848, MedGen C0878544, MONDO:0004994, HP:0001638. Inheritance: Various modes of inheritance.
Cardiovascular phenotype. Identifiers: MedGen CN230736.

Allele frequency attached by ClinVar (database versions not stated): gnomAD exomes below 0.00001; TOPMed below 0.00001.
gnomAD v4.1: 1 of 1,614,022 alleles (0.000062%); highest among the groups gnomAD compares: Non-Finnish European, 0.000085%; no homozygotes.

Submissions (3):

Ambry Genetics
Classification: Uncertain significance for Cardiovascular phenotype. Last evaluated: 2021-01-11. Review status: criteria provided, single submitter. Criteria: Ambry Variant Classification Scheme 2023. Collection method: clinical testing. Allele origin: germline.
Comment: The c.1059A>T variant (also known as p.T353T), located in coding exon 10 of the MYH7 gene, results from an A to T substitution at nucleotide position 1059. This nucleotide substitution does not change the at codon 353. This nucleotide position is poorly conserved in available vertebrate species. In silico splice site analysis for this alteration is inconclusive. Since supporting evidence is limited at this time, the clinical significance of this alteration remains unclear.

Color Diagnostics, LLC DBA Color Health
Classification: Likely benign for Cardiomyopathy. Last evaluated: 2019-04-14. Review status: criteria provided, single submitter. Criteria: ACMG Guidelines, 2015. Collection method: clinical testing. Allele origin: germline.

GeneDx
Classification: Likely benign. Last evaluated: 2018-03-08. Review status: criteria provided, single submitter. Criteria: GeneDx Variant Classification (06012015). Collection method: clinical testing. Allele origin: germline. Affected: yes.
Comment: This variant is considered likely benign or benign based on one or more of the following criteria: it is a conservative change, it occurs at a poorly conserved position in the protein, it is predicted to be benign by multiple in silico algorithms, and/or has population frequency not consistent with disease.

NM_000257.4(MYH7):c.1059A>T (p.Thr353=)

Gene: MYH7 (myosin heavy chain 7; minus strand). Cytogenetic location: 14q11.2.
Variant type: single nucleotide variant.
Coding change: c.1059A>T on transcript NM_000257.4 (MANE Select); coding-DNA position 1059, A replaced by T.
Protein change: p.Thr353=; no amino-acid change (threonine 353 retained).
Molecular consequence: synonymous variant.
Genome position (GRCh38, 1-based): chr14:23,429,854, T>A on the plus strand (A>T on the coding strand, the complement: MYH7 is on the minus strand). VCF-style: chr14-23429854-T-A. GRCh37 (hg19) VCF-style: chr14-23899063-T-A.
Other names: c.1059A>T (LRG_384t1).
Identifiers: ClinVar variation 515968 (VCV000515968.5), dbSNP rs1555338461, ClinGen allele CA485625912.
Genomic context (GRCh38, chr14:23,429,854, plus strand): 5'-CGCCTGCTCCTCCCGCTGCTTCAGCTTGAACTTCATGTTTCCAAAGTGCATGATGGCGCC[T>A]GTCAGCTTATACATGGAGTTTTTCTCCTCTGAAGTGAAGCCCAGCACATCAAAAGCGTTC-3'
Protein context (NP_000248.2, residues 343-363): SEEKNSMYKL[Thr353=]GAIMHFGNMK